The following is an entry in ClinVar:

NM_080425.4(GNAS):c.355G>C (p.Glu119Gln)

Gene: GNAS (GNAS complex locus; plus strand). Cytogenetic location: 20q13.32.
Variant type: single nucleotide variant.
Coding change: c.355G>C on transcript NM_080425.4 (MANE Plus Clinical); coding-DNA position 355, G replaced by C.
Protein change: p.Glu119Gln; replaces glutamic acid 119 with glutamine.
Molecular consequence: missense variant. On other transcripts: intron variant (3), genic upstream transcript variant (1).
Genome position (GRCh38, 1-based): chr20:58,853,620, G>C. VCF-style: chr20-58853620-G-C. GRCh37 (hg19) VCF-style: chr20-57428675-G-C.
Other names: c.168G>C, p.Trp56Cys (NM_001077490.3, NM_001309883.1); c.355G>C, p.Glu119Gln (NM_001410913.1); c.*42+12734G>C (NM_016592.5); c.43+12734G>C (NM_001410912.1); c.-39+11745G>C (NM_001309861.2); c.-38107G>C (NM_000516.7); short protein forms E119Q, W56C.
Identifiers: ClinVar variation 2634301 (VCV002634301.6), dbSNP rs374708636, ClinGen allele CA9926455.

ClinVar aggregate classification (germline): Uncertain significance. Review status: criteria provided, multiple submitters, no conflicts (2 of 4 stars). 3 submissions from 3 submitters: Uncertain significance (3). Last evaluated 2026-09-09.

Conditions:
GNAS-related disorder. Identifiers: MedGen CN380105.

Allele frequency attached by ClinVar (database versions not stated): ExAC 0.00001; gnomAD 0.00003; TOPMed 0.00003; ESP Exome Variant Server 0.00008; gnomAD exomes 0.00012.
gnomAD v4.1: 177 of 1,613,280 alleles (0.011%); highest among the groups gnomAD compares: Non-Finnish European, 0.015%; no homozygotes.

Submissions (3):

PreventionGenetics, part of Exact Sciences
Classification: Uncertain significance for GNAS-related condition. Last evaluated: 2026-09-09. Review status: criteria provided, single submitter. Criteria: ACMG Guidelines, 2015. Collection method: clinical testing. Allele origin: germline.
Comment: The GNAS c.355G>C variant is predicted to result in the amino acid substitution p.Glu119Gln. Of note, on the alternative transcript (NM_000516.5) this variant is pre-coding (c.-38107G>C). To our knowledge, this variant has not been reported in the literature. This variant is reported in 0.0018% of alleles in individuals of European (Non-Finnish) descent in gnomAD. At this time, the clinical significance of this variant is uncertain due to the absence of conclusive functional and genetic evidence.

Women's Health and Genetics/Laboratory Corporation of America, LabCorp
Classification: Uncertain significance. Last evaluated: 2025-07-10. Review status: criteria provided, single submitter. Criteria: LabCorp Variant Classification Summary - May 2015. Collection method: clinical testing. Allele origin: germline.
Comment: Variant summary: GNAS c.-38107G>C is located in the untranscribed region upstream of the GNAS gene region. The variant allele was found at a frequency of 8.1e-06 in 248422 control chromosomes. The available data on variant occurrences in the general population are insufficient to allow any conclusion about variant significance. To our knowledge, no occurrence of c.-38107G>C in individuals affected with GNAS-Related Disorders and no experimental evidence demonstrating its impact on protein function have been reported. ClinVar contains an entry for this variant (Variation ID: 2634301). Based on the evidence outlined above, the variant was classified as uncertain significance.

Blueprint Genetics
Classification: Uncertain significance. Last evaluated: 2022-10-05. Review status: criteria provided, single submitter. Criteria: ACMG Guidelines, 2015. Collection method: clinical testing. Allele origin: germline.